The following is an entry in ClinVar:

NM_001103.4(ACTN2):c.1972G>C (p.Glu658Gln)

Gene: ACTN2 (actinin alpha 2; plus strand). Cytogenetic location: 1q43.
Variant type: single nucleotide variant.
Coding change: c.1972G>C on transcript NM_001103.4 (MANE Select); coding-DNA position 1972, G replaced by C.
Protein change: p.Glu658Gln; replaces glutamic acid 658 with glutamine.
Molecular consequence: missense variant.
Genome position (GRCh38, 1-based): chr1:236,754,079, G>C. VCF-style: chr1-236754079-G-C. GRCh37 (hg19) VCF-style: chr1-236917379-G-C.
Other names: c.1972G>C, p.Glu658Gln (NM_001278343.2); c.1348G>C, p.Glu450Gln (NM_001278344.2); short protein forms E658Q, E450Q.
Identifiers: ClinVar variation 263482 (VCV000263482.16), dbSNP rs374135486, ClinGen allele CA10587429.

ClinVar aggregate classification (germline): Uncertain significance. Review status: criteria provided, multiple submitters, no conflicts (2 of 4 stars). 4 submissions from 4 submitters: Uncertain significance (4). Last evaluated 2025-06-24.

Conditions:
Cardiovascular phenotype. Identifiers: MedGen CN230736.
Dilated cardiomyopathy 1AA (CMD1AA). Also called: Cardiomyopathy, dilated, 1AA, with or without LVNC; CARDIOMYOPATHY, DILATED, 1AA, WITH OR WITHOUT LEFT VENTRICULAR NONCOMPACTION; CARDIOMYOPATHY, FAMILIAL HYPERTROPHIC, 23, WITH OR WITHOUT LEFT VENTRICULAR NONCOMPACTION. Identifiers: Orphanet 154, MedGen C2677338, MONDO:0012808, OMIM 612158.
Primary familial hypertrophic cardiomyopathy (HCM). Identifiers: Orphanet 99739, MedGen C0949658, MeSH D024741, MONDO:0024573. Inheritance: Various modes of inheritance.

Allele frequency attached by ClinVar (database versions not stated): gnomAD exomes below 0.00001; TOPMed 0.00002; gnomAD 0.00003; ESP Exome Variant Server 0.00008.
gnomAD v4.1: 6 of 1,613,808 alleles (0.00037%); highest among the groups gnomAD compares: African/African-American, 0.008%; no homozygotes.

Submissions (4):

Labcorp Genetics (formerly Invitae), Labcorp
Classification: Uncertain significance for Primary familial hypertrophic cardiomyopathy; Dilated cardiomyopathy 1AA. Last evaluated: 2025-06-24. Review status: criteria provided, single submitter. Criteria: Invitae Variant Classification Sherloc (09022015). Collection method: clinical testing. Allele origin: germline.
Comment: This sequence change replaces glutamic acid, which is acidic and polar, with glutamine, which is neutral and polar, at codon 658 of the ACTN2 protein (p.Glu658Gln). This variant is present in population databases (rs374135486, gnomAD 0.01%). This variant has not been reported in the literature in individuals affected with ACTN2-related conditions. ClinVar contains an entry for this variant (Variation ID: 263482). An algorithm developed to predict the effect of missense changes on protein structure and function (PolyPhen-2) suggests that this variant is likely to be tolerated. In summary, the available evidence is currently insufficient to determine the role of this variant in disease. Therefore, it has been classified as a Variant of Uncertain Significance.

Ambry Genetics
Classification: Uncertain significance for Cardiovascular phenotype. Last evaluated: 2023-12-22. Review status: criteria provided, single submitter. Criteria: Ambry Variant Classification Scheme 2023. Collection method: clinical testing. Allele origin: germline.
Comment: The p.E658Q variant (also known as c.1972G>C), located in coding exon 16 of the ACTN2 gene, results from a G to C substitution at nucleotide position 1972. The glutamic acid at codon 658 is replaced by glutamine, an amino acid with highly similar properties. This amino acid position is highly conserved in available vertebrate species. In addition, the in silico prediction for this alteration is inconclusive. Since supporting evidence is limited at this time, the clinical significance of this alteration remains unclear.

Blueprint Genetics
Classification: Uncertain significance. Last evaluated: 2022-07-26. Review status: criteria provided, single submitter. Criteria: ACMG Guidelines, 2015. Collection method: clinical testing. Allele origin: germline.

GeneDx
Classification: Uncertain significance. Last evaluated: 2019-09-10. Review status: criteria provided, single submitter. Criteria: GeneDx Variant Classification Process June 2021. Collection method: clinical testing. Allele origin: germline. Affected: yes.
Comment: Has not been previously published as pathogenic or benign to our knowledge; Reported in ClinVar as a variant of uncertain significance but additional evidence is not available (ClinVar Variant ID# 263482; Landrum et al., 2016); Not observed at a significant frequency in large population cohorts (Lek et al., 2016); In silico analysis, which includes protein predictors and evolutionary conservation, supports that this variant does not alter protein structure/function